The following is an entry in ClinVar:

ClinVar aggregate classification (germline): Likely pathogenic. Review status: criteria provided, multiple submitters, no conflicts (2 of 4 stars). 2 submissions from 2 submitters: Likely pathogenic (2). Last evaluated 2025-02-11.

Conditions:
COL2A1-related disorder. Also called: COL2A1-related condition; COL2A1-related disorders.

Submissions (2):

3billion
Classification: Likely pathogenic for COL2A1-related disorder. Last evaluated: 2025-02-11. Review status: criteria provided, single submitter. Criteria: ACMG Guidelines, 2015. Collection method: clinical testing. Allele origin: germline. Affected: yes.
Comment: The variant is not observed in the gnomAD v4.1.0 dataset. Predicted Consequence/Location: The variant is located in a mutational hot spot and/or well-established functional domain in which established pathogenic variants have been reported (PMID: 26626311). In silico tool predictions suggest damaging effect of the variant on gene or gene product [REVEL: 0.98 (>=0.6, sensitivity 0.68 and specificity 0.92); 3Cnet: 0.99 (>=0.6, sensitivity 0.72 and precision 0.9)]. The same nucleotide change resulting in the same amino acid change has been previously reported to be associated with COL2A1-related disorder (ClinVar ID: VCV002022786). Different missense changes at the same codon (p.Gly867Asp, p.Gly867Val) have been reported as pathogenic/likely pathogenic with strong evidence (ClinVar ID: VCV000284348, VCV002137332 /PMID: 26633542, 35052477 /3billion dataset). Therefore, this variant is classified as Likely pathogenic according to the recommendation of ACMG/AMP guideline.

Labcorp Genetics (formerly Invitae), Labcorp
Classification: Likely pathogenic. Last evaluated: 2022-08-08. Review status: criteria provided, single submitter. Criteria: Invitae Variant Classification Sherloc (09022015). Collection method: clinical testing. Allele origin: germline.
Comment: This variant is not present in population databases (gnomAD no frequency). In summary, the currently available evidence indicates that the variant is pathogenic, but additional data are needed to prove that conclusively. Therefore, this variant has been classified as Likely Pathogenic. This variant disrupts the triple helix domain of COL2A1. Glycine residues within the Gly-Xaa-Yaa repeats of the triple helix domain are required for the structure and stability of fibrillar collagens (PMID: 7695699, 8218237, 19344236). In COL2A1, variants affecting these glycine residues are significantly enriched in individuals with disease (PMID: 9016532, 17078022) compared to the general population (ExAC). Advanced modeling of protein sequence and biophysical properties (such as structural, functional, and spatial information, amino acid conservation, physicochemical variation, residue mobility, and thermodynamic stability) performed at Invitae indicates that this missense variant is expected to disrupt COL2A1 protein function. This variant has not been reported in the literature in individuals affected with COL2A1-related conditions. This sequence change replaces glycine, which is neutral and non-polar, with serine, which is neutral and polar, at codon 867 of the COL2A1 protein (p.Gly867Ser).

Literature cited by the submitters: PubMed 26633542 (cited by 3billion); PubMed 7695699 (cited by Labcorp Genetics (formerly Invitae), Labcorp); PubMed 8218237 (cited by Labcorp Genetics (formerly Invitae), Labcorp); PubMed 19344236 (cited by Labcorp Genetics (formerly Invitae), Labcorp); PubMed 9016532 (cited by Labcorp Genetics (formerly Invitae), Labcorp); PubMed 17078022 (cited by Labcorp Genetics (formerly Invitae), Labcorp).

NM_001844.5(COL2A1):c.2599G>A (p.Gly867Ser)

Gene: COL2A1 (collagen type II alpha 1 chain; minus strand). Cytogenetic location: 12q13.11.
Variant type: single nucleotide variant.
Coding change: c.2599G>A on transcript NM_001844.5 (MANE Select); coding-DNA position 2599, G replaced by A.
Protein change: p.Gly867Ser; replaces glycine 867 with serine.
Molecular consequence: missense variant.
Genome position (GRCh38, 1-based): chr12:47,980,580, C>T on the plus strand (G>A on the coding strand, the complement: COL2A1 is on the minus strand). VCF-style: chr12-47980580-C-T. GRCh37 (hg19) VCF-style: chr12-48374363-C-T.
Other names: c.2392G>A, p.Gly798Ser (NM_033150.3); short protein forms G798S, G867S.
Identifiers: ClinVar variation 2022786 (VCV002022786.5), dbSNP rs2540122196, ClinGen allele CA384544385.
Genomic context (GRCh38, chr12:47,980,580, plus strand): 5'-GAGGGAACAATTCTTGGAGTGCAGCGTTACCCACCTGAGGCCCAGGTGCTCCAGAGGGGC[C>T]CTGAGGACCAGGGGCACCAGCATCGCCTTTCTGGCCGGCCTCTCCTTGCTCACCCTTGGC-3'
Protein context (NP_001835.3, residues 857-877): KGDAGAPGPQ[Gly867Ser]PSGAPGPQGP